The following is an entry in ClinVar:

NM_017934.7(PHIP):c.1024G>A (p.Asp342Asn)

Gene: PHIP (PHIP subunit of CUL4-Ring ligase complex; minus strand). Cytogenetic location: 6q14.1.
Variant type: single nucleotide variant.
Coding change: c.1024G>A on transcript NM_017934.7 (MANE Select); coding-DNA position 1024, G replaced by A.
Protein change: p.Asp342Asn; replaces aspartic acid 342 with asparagine.
Molecular consequence: missense variant.
Genome position (GRCh38, 1-based): chr6:79,017,554, C>T on the plus strand (G>A on the coding strand, the complement: PHIP is on the minus strand). VCF-style: chr6-79017554-C-T. GRCh37 (hg19) VCF-style: chr6-79727271-C-T.
Other names: short protein forms D342N.
Identifiers: ClinVar variation 3357386 (VCV003357386.2).

ClinVar aggregate classification (germline): Uncertain significance (1 of 4 stars; one submission).

Conditions:
PHIP-related disorder. Also called: PHIP-related disorders; PHIP-related condition.

gnomAD v4.1: 2 of 1,612,054 alleles (0.00012%); highest among the groups gnomAD compares: Non-Finnish European, 0.00017%; no homozygotes.

Submission:

PreventionGenetics, part of Exact Sciences
Classification: Uncertain significance for PHIP-related condition. Last evaluated: 2026-01-29. Review status: criteria provided, single submitter. Criteria: ACMG Guidelines, 2015. Collection method: clinical testing. Allele origin: germline.
Comment: The PHIP c.1024G>A variant is predicted to result in the amino acid substitution p.Asp342Asn. To our knowledge, this variant has not been reported in the literature or in a large population database (gnomAD), indicating this variant is rare. At this time, the clinical significance of this variant is uncertain due to the absence of conclusive functional and genetic evidence.